The following continues an entry in ClinVar:

NM_000256.3(MYBPC3):c.442G>A (p.Gly148Arg)

Gene: MYBPC3. ClinVar aggregate classification (germline): Conflicting classifications of pathogenicity. Pathogenic (5); Likely pathogenic (11); Uncertain significance (9).

Submissions 8 to 18 of 28:

Institute of Human Genetics, University of Leipzig Medical Center
Classification: Uncertain significance for Hypertrophic cardiomyopathy 4. Last evaluated: 2025-09-22. Review status: criteria provided, single submitter. Criteria: ACMG Guidelines, 2015. Collection method: clinical testing. Allele origin: unknown. Inheritance: Autosomal dominant inheritance. Affected: yes.
Comment: Criteria applied: PP3

Color Diagnostics, LLC DBA Color Health
Classification: Uncertain significance for Cardiomyopathy. Last evaluated: 2025-05-06. Review status: criteria provided, single submitter. Criteria: ACMG Guidelines, 2015. Collection method: clinical testing. Allele origin: germline.
Comment: This missense variant replaces glycine with arginine at codon 148 of the MYBPC3 protein in a region that is poorly conserved across mammalian species. Computational prediction suggests that this variant may not impact protein structure and function. Splice site prediction tools indicate that this variant may activate a cryptic splice acceptor site 37 nucleotides downstream of the intron 3 native splice acceptor site. Although this variant has been reported to adversely impact splicing based on a mini-gene assay, its exact molecular consequence was not clearly described and actual data were not available for evaluation (PMID: 28679633, 29709087). RNA studies using cardiomyocytes derived from induced pluripotent stem cells have shown that this variant may cause partial alternative splicing and an intermediate size effect on MyBP-C protein (PMID: 39633578). This variant has been reported in multiple individuals affected with hypertrophic cardiomyopathy (PMID: 20378854, 22267749, 25210889, 27532257, 29121657, 32369506, 33495596, 33662488, 34389451, 35288587, 37652022, 38489124, 38757491). At least 4 of these individuals carried another pathogenic variant (PMID: 20378854, 20530761, 22267749, 30763825, 35288587ClinVar SCV000059278.6)in some of these individuals, phenotype was severe (PMID: 20378854, 20530761, 22267749, 35288587). This variant has been shown to segregate with disease in 6 heterozygous individuals from 3 families (PMID: 20378854, 20530761, 35288587). This variant has also been observed in unaffected individuals (PMID: 20530761, 23861362, 31293105). This variant has also been identified in 13/200668 chromosomes (13/83936 Non-Finnish European0.0154%) in the general population by the Genome Aggregation Database (gnomAD). In summary, the molecular impact of this variant on MYBPC3 gene function is not clearly understood. While this variant has been observed in multiple individuals affected with hypertrophic cardiomyopathy, some of these individuals carried different variants that could be causal for the observed phenotype. This variant is observed at an elevated frequency in the general population and has also been reported in unaffected individuals. Although there is a suspicion that this variant may play a role in disease, the available evidence is insufficient to determine the pathogenicity of this variant conclusively. Therefore, this variant has been classified as a Variant of Uncertain Significance.

Mayo Clinic Laboratories, Mayo Clinic
Classification: Likely pathogenic. Last evaluated: 2025-03-24. Review status: criteria provided, single submitter. Criteria: ACMG Guidelines, 2015. Collection method: clinical testing. Allele origin: germline. Observed: 2 variant alleles.
Comment: PP1, PP3, PM3, PS3_supporting, PS4

Molecular Diagnostic Laboratory for Inherited Cardiovascular Disease, Montreal Heart Institute
Classification: Pathogenic for Cardiovascular phenotype. Last evaluated: 2025-01-20. Review status: criteria provided, single submitter. Criteria: ACMG Guidelines, 2015. Collection method: clinical testing. Allele origin: germline. Affected: yes.
Comment: PS4, PVS1_mod, PM2, PP1_mod

Victorian Clinical Genetics Services, Murdoch Childrens Research Institute
Classification: Uncertain significance for Hypertrophic cardiomyopathy 4. Last evaluated: 2024-10-08. Review status: criteria provided, single submitter. Criteria: ACMG Guidelines, 2015. Collection method: clinical testing. Allele origin: germline. Affected: yes.
Comment: Based on the classification scheme VCGS_Germline_v1.3.4, this variant is classified as VUS-3A. Following criteria are met: 0102 - Loss of function is a known mechanism of disease in this gene and is associated with hypertrophic cardiomyopathy 4 (HCM; MIM#115197). (I) 0108 - This gene is associated with both recessive and dominant disease. Dominant inheritance is frequently reported in adult onset conditions and recessive inheritance results in a more severe early onset phenotype (OMIM). (I) 0115 - Variants in this gene are known to have variable expressivity (PMID: 32841044). (I) 0200 - Variant is predicted to result in a missense amino acid change from glycine to arginine. (I) 0251 - This variant is heterozygous. (I) 0304 - Variant is present in gnomAD <0.01 (v3: 16 heterozygotes, 0 homozygotes). (SP) 0503 - Missense variant consistently predicted to be tolerated by multiple in silico tools or not conserved in placental mammals with a minor amino acid change. (SB) 0604 - Variant is not located in an established domain, motif, hotspot or informative constraint region. (I) 0705 - No comparable missense variants have previous evidence for pathogenicity. (I) 0808 - Previous reports of pathogenicity for this variant are conflicting. It has been reported in HCM patients and a single ARVC patient, some of whom harboured other possibly causative variants. It has also been reported as a VUS in an individual with HCM who also harboured a causative de novo variant in FHL1. Familial cases of HCM and/or LVNC were also reported where compound heterozygotes presented with a severe, early onset condition while heterozygotes were either asymptomatic or only mildly affected. Finally, this variant has also been reported in cases of sudden death (ClinVar, VCGS, PMIDs: 27532257, 29988065, 30847666, 29709087, 20530761, 20378854, 22267749, 31293105, 27650965, 33495597, 33732734, 33662488, 34389451, 35288587). (I) 0902 - This variant has moderate evidence for segregation with disease, having segregated within three independent families (personal communication). (SP) 1208 - Inheritance information for this variant is not currently available in this individual. (I) Legend: (SP) - Supporting pathogenic, (I) - Information, (SB) - Supporting benign

All of Us Research Program, National Institutes of Health
Classification: Uncertain significance for Hypertrophic cardiomyopathy. Last evaluated: 2024-09-11. Review status: criteria provided, single submitter. Criteria: ACMG Guidelines, 2015. Collection method: clinical testing. Allele origin: germline. Inheritance: Autosomal dominant inheritance. Observed: 33 variant alleles, 33 heterozygotes.
Comment: This missense variant replaces glycine with arginine at codon 148 in the proline-rich domain of the MYBPC3 protein in a region that is poorly conserved across mammalian species. Computational prediction tool suggests that this variant may not impact protein structure and function (internally defined REVEL score threshold <=0.5, PMID: 27666373). Splice site prediction tools indicate that this variant may activate a cryptic splice acceptor site 37 nucleotides downstream of the intron 3 native splice acceptor site. Although this variant has been reported to adversely impact splicing based on a mini-gene assay, its exact molecular consequence was not clearly described and actual data were not available for evaluation (PMID: 28679633, 29709087). This variant has been reported in at least 19 unrelated individuals affected with hypertrophic cardiomyopathy from at least ten different families (PMID: 20378854, 22267749, 25210889, 27532257, 29121657, 32369506, 33495596, 33662488, 34389451, 35288587). At least 4 of these affected individuals carried another pathogenic variant in the same gene or a different gene (PMID: 20378854, 20530761, 22267749, 30763825, 35288587; ClinVar SCV000059278.6); in some of these individuals, phenotype was severe or early-onset (PMID: 20378854, 20530761, 22267749, 35288587). This variant has been shown to segregate with hypertrophic cardiomyopathy in six heterozygous individuals from three families (PMID: 20378854, 20530761, 35288587). This variant has been observed in individuals lacking a hypertrophic cardiomyopathy phenotype (PMID: 20530761, 23861362, 31293105). This variant has also been identified in 13/200668 chromosomes (13/83936 Non-Finnish European; 0.0154%) in the general population by the Genome Aggregation Database (gnomAD). In summary, the molecular impact of this variant on the MYBPC3 gene function is not clearly understood. While this variant has been observed in multiple individuals affected with hypertrophic cardiomyopathy, some of these individuals carried different variants that could be causal for the observed phenotype. This variant is observed at an elevated frequency in the general population and has also been reported in unaffected individuals in the literature. Although there is a suspicion that this variant may play a role in disease, the available evidence is insufficient to determine the pathogenicity of this variant conclusively. Therefore, this variant has been classified as a Variant of Uncertain Significance.

This study involves interpretation of variants in research participants for the purpose of population health screening. Participant phenotype was not available at the time of variant classification. Additional details can be found in publication PMID: 35346344, PMCID: PMC8962531

North West Genomic Laboratory Hub, Manchester University NHS Foundation Trust
Classification: Likely pathogenic for Hypertrophic cardiomyopathy 4. Last evaluated: 2024-07-19. Review status: criteria provided, single submitter. Criteria: ACGS Best Practice Guidelines for Variant Classification in Rare Disease 2020. Collection method: clinical testing. Allele origin: germline. Affected: yes.
Comment: PP1_Mod PS3_Mod PS4_Mod

Blueprint Genetics
Classification: Pathogenic for MYBPC3-related disorders. Last evaluated: 2024-07-08. Review status: criteria provided, single submitter. Criteria: ACMG Guidelines, 2015. Collection method: clinical testing. Allele origin: germline. Affected: yes. Observed: 5 variant alleles.

Illumina Laboratory Services, Illumina
Classification: Uncertain significance for Hypertrophic cardiomyopathy 4. Last evaluated: 2024-01-05. Review status: criteria provided, single submitter. Criteria: ICSLVariantClassificationCriteria RUGD 01 April 2020. Collection method: clinical testing. Allele origin: unknown.

CHEO Genetics Diagnostic Laboratory, Children's Hospital of Eastern Ontario
Classification: Likely pathogenic for Cardiomyopathy. Last evaluated: 2023-05-16. Review status: criteria provided, single submitter. Criteria: ACMG Guidelines, 2015. Collection method: clinical testing. Allele origin: germline.

Laboratory for Molecular Medicine, Mass General Brigham Personalized Medicine
Classification: Uncertain significance. Last evaluated: 2022-04-18. Review status: criteria provided, single submitter. Criteria: ACMG Guidelines, 2015. Collection method: clinical testing. Allele origin: germline.
Comment: proposed classification - variant undergoing re-assessment, contact laboratory